The following is an entry in ClinVar:

NM_005612.5(REST):c.2307A>G (p.Ile769Met)

Gene: REST (RE1 silencing transcription factor; plus strand). Cytogenetic location: 4q12.
Variant type: single nucleotide variant.
Coding change: c.2307A>G on transcript NM_005612.5 (MANE Select); coding-DNA position 2307, A replaced by G.
Protein change: p.Ile769Met; replaces isoleucine 769 with methionine.
Molecular consequence: missense variant.
Genome position (GRCh38, 1-based): chr4:56,931,165, A>G. VCF-style: chr4-56931165-A-G. GRCh37 (hg19) VCF-style: chr4-57797331-A-G.
Other names: c.2307A>G, p.Ile769Met (NM_001193508.2, NM_001363453.3); short protein forms I769M.
Identifiers: ClinVar variation 1352070 (VCV001352070.7), dbSNP rs766485057, ClinGen allele CA2932453.

ClinVar aggregate classification (germline): Uncertain significance. Review status: criteria provided, multiple submitters, no conflicts (2 of 4 stars). 2 submissions from 2 submitters: Uncertain significance (2). Last evaluated 2025-05-02.

Conditions:
Autosomal dominant nonsyndromic hearing loss 27. Also called: Deafness, autosomal dominant 27. Identifiers: Orphanet 90635, MedGen C3887929, MONDO:0012902, OMIM 612431.
Fibromatosis, gingival, 5. Also called: FIBROMATOSIS, GINGIVAL, HEREDITARY, 5. Identifiers: MedGen C4539942, MONDO:0033493, OMIM 617626.
Wilms tumor 6 (WT6). Also called: WILMS TUMOR 6, SUSCEPTIBILITY TO. Identifiers: Orphanet 654, MedGen C3891301, MONDO:0014779, OMIM 616806.

Allele frequency attached by ClinVar (database versions not stated): ExAC 0.00001.
gnomAD v4.1: 4 of 1,605,280 alleles (0.00025%); highest among the groups gnomAD compares: South Asian, 0.0011%; no homozygotes.

Submissions (2):

Labcorp Genetics (formerly Invitae), Labcorp
Classification: Uncertain significance. Last evaluated: 2025-05-02. Review status: criteria provided, single submitter. Criteria: Invitae Variant Classification Sherloc (09022015). Collection method: clinical testing. Allele origin: germline.
Comment: This sequence change replaces isoleucine, which is neutral and non-polar, with methionine, which is neutral and non-polar, at codon 769 of the REST protein (p.Ile769Met). This variant is not present in population databases (gnomAD no frequency). This variant has not been reported in the literature in individuals affected with REST-related conditions. ClinVar contains an entry for this variant (Variation ID: 1352070). An algorithm developed to predict the effect of missense changes on protein structure and function outputs the following: PolyPhen-2: "Benign". The methionine amino acid residue is found in multiple mammalian species, which suggests that this missense change does not adversely affect protein function. In summary, the available evidence is currently insufficient to determine the role of this variant in disease. Therefore, it has been classified as a Variant of Uncertain Significance.

Fulgent Genetics
Classification: Uncertain significance for Autosomal dominant nonsyndromic hearing loss 27; Wilms tumor 6; Fibromatosis, gingival, 5. Last evaluated: 2024-05-06. Review status: criteria provided, single submitter. Criteria: ACMG Guidelines, 2015. Collection method: clinical testing. Allele origin: germline.